The following is an entry in ClinVar:

ClinVar aggregate classification (germline): Pathogenic/Likely pathogenic. Review status: criteria provided, multiple submitters, no conflicts (2 of 4 stars). 2 submissions from 2 submitters: Pathogenic (1); Likely pathogenic (1). Last evaluated 2022-12-09.

Conditions:
COL18A1-related disorder. Also called: COL18A1-related disorders; COL18A1-related condition.

Submissions (2):

Blueprint Genetics
Classification: Likely pathogenic for COL18A1-related disorders. Last evaluated: 2022-12-09. Review status: criteria provided, single submitter. Criteria: ACMG Guidelines, 2015. Collection method: clinical testing. Allele origin: germline. Affected: yes. Observed: 1 variant allele.

Labcorp Genetics (formerly Invitae), Labcorp
Classification: Pathogenic. Last evaluated: 2022-08-07. Review status: criteria provided, single submitter. Criteria: Invitae Variant Classification Sherloc (09022015). Collection method: clinical testing. Allele origin: germline.
Comment: For these reasons, this variant has been classified as Pathogenic. This variant has not been reported in the literature in individuals affected with COL18A1-related conditions. This variant is present in population databases (no rsID available, gnomAD 0.003%). This sequence change creates a premature translational stop signal (p.Pro841Argfs*24) in the COL18A1 gene. It is expected to result in an absent or disrupted protein product. Loss-of-function variants in COL18A1 are known to be pathogenic (PMID: 12415512, 25456301).

Literature cited by the submitters: PubMed 12415512 (cited by Labcorp Genetics (formerly Invitae), Labcorp); PubMed 25456301 (cited by Labcorp Genetics (formerly Invitae), Labcorp).

NM_001379500.1(COL18A1):c.2518_2521dup (p.Pro841fs)

Gene: COL18A1 (collagen type XVIII alpha 1 chain; plus strand). Cytogenetic location: 21q22.3.
Variant type: Duplication.
Coding change: c.2518_2521dup on transcript NM_001379500.1 (MANE Select); coding-DNA positions 2518 to 2521, 4 bases duplicated (GGCC; older notation c.2518_2521dupGGCC).
Protein change: p.Pro841fs; shifts the reading frame from proline 841.
Molecular consequence: frameshift variant.
Genome position (GRCh38, 1-based): chr21:45,496,509-45,496,512, GGCC duplicated; duplicating any 4 consecutive bases within chr21:45,496,507-45,496,512 gives the same sequence; the c. name uses the placement nearest the transcript's 3' end. VCF-style (leftmost placement, unchanged base first): chr21-45496506-C-CCCGG. GRCh37 (hg19) VCF-style: chr21-46916420-C-CCCGG.
Other names: c.3058_3061dup, p.Pro1021fs (NM_030582.4); c.3763_3766dup, p.Pro1256fs (NM_130444.3); short protein forms P1256fs, P841fs, P1021fs.
Identifiers: ClinVar variation 1974705 (VCV001974705.6), dbSNP rs1568928928, ClinGen allele CA638165027.
Genomic context (GRCh38, chr21:45,496,506, plus strand): 5'-GCTGCTGCCTGACAGGCAGGCCATAAGCCTAACAGCTCTCTGCCCTCCCCACAGGGAATG[C>CCCGG]CCGGCCCCCCAGGACCTCCAGGGCCCCCAGGCCCTCCAGGGACTCCTGTTTACGACAGCA-3'